The following is an entry in ClinVar:

ClinVar aggregate classification (germline): Uncertain significance (1 of 4 stars; one submission).

Allele frequency attached by ClinVar (database versions not stated): ExAC 0.00001; gnomAD exomes 0.00002; gnomAD 0.00003; TOPMed 0.00004.

Submission:

Labcorp Genetics (formerly Invitae), Labcorp
Classification: Uncertain significance. Last evaluated: 2022-09-01. Review status: criteria provided, single submitter. Criteria: Invitae Variant Classification Sherloc (09022015). Collection method: clinical testing. Allele origin: germline.
Comment: This sequence change falls in intron 1 of the TMPRSS15 gene. It does not directly change the encoded amino acid sequence of the TMPRSS15 protein. It affects a nucleotide within the consensus splice site. This variant is present in population databases (rs749482726, gnomAD 0.02%). This variant has not been reported in the literature in individuals affected with TMPRSS15-related conditions. Variants that disrupt the consensus splice site are a relatively common cause of aberrant splicing (PMID: 17576681, 9536098). Algorithms developed to predict the effect of sequence changes on RNA splicing suggest that this variant is not likely to affect RNA splicing. In summary, the available evidence is currently insufficient to determine the role of this variant in disease. Therefore, it has been classified as a Variant of Uncertain Significance.

Literature cited by the submitters: PubMed 17576681; PubMed 9536098.

NM_002772.3(TMPRSS15):c.145+6_145+14del

Gene: TMPRSS15 (transmembrane serine protease 15; minus strand). Cytogenetic location: 21q21.1.
Variant type: Deletion.
Coding change: c.145+6_145+14del on transcript NM_002772.3 (MANE Select); bases 6 to 14 of the intron after coding-DNA position 145, 9 bases deleted (TCACATGGA; older notation c.145+6_145+14delTCACATGGA).
Molecular consequence: intron variant.
Genome position (GRCh38, 1-based): chr21:18,403,464-18,403,472, TCCATGTGA deleted on the plus strand (TCACATGGA on the coding strand, the reverse complement: TMPRSS15 is on the minus strand). VCF-style (leftmost placement, unchanged base first): chr21-18403463-CTCCATGTGA-C. GRCh37 (hg19) VCF-style: chr21-19775780-CTCCATGTGA-C.
Identifiers: ClinVar variation 2175695 (VCV002175695.1), dbSNP rs749482726, ClinGen allele CA9984858.
Genomic context (GRCh38, chr21:18,403,463, plus strand): 5'-CTTACAGAATAACTGACACTAAAGTGTGTACATTCAGCTGAGAGCACCTTCACGAGCCAA[CTCCATGTGA>C]CTTACCTCGTTGGGATTCCTTGATTGTCAGGCAGGATACTGCAATTAATCCAGCACAGAG-3'